The following is an entry in ClinVar:

NM_017547.4(FOXRED1):c.537-12_539del

Gene: FOXRED1 (FAD dependent oxidoreductase domain containing 1; plus strand). Cytogenetic location: 11q24.2.
Variant type: Deletion.
Coding change: c.537-12_539del on transcript NM_017547.4 (MANE Select); 12 bases into the intron before coding-DNA position 537 through coding-DNA position 539, 15 bases deleted (CGTTTATCTCAGGCA).
Molecular consequence: splice acceptor variant.
Genome position (GRCh38, 1-based): chr11:126,274,915-126,274,929, CGTTTATCTCAGGCA deleted; deleting any 15 consecutive bases within chr11:126,274,913-126,274,929 gives the same sequence; the c. name uses the placement nearest the transcript's 3' end. VCF-style (leftmost placement, unchanged base first): chr11-126274912-ACACGTTTATCTCAGG-A. GRCh37 (hg19) VCF-style: chr11-126144807-ACACGTTTATCTCAGG-A.
Identifiers: ClinVar variation 2763096 (VCV002763096.3), dbSNP rs1951088118, ClinGen allele CA2007079513.

ClinVar aggregate classification (germline): Likely pathogenic (1 of 4 stars; one submission).

Submission:

Labcorp Genetics (formerly Invitae), Labcorp
Classification: Likely pathogenic. Last evaluated: 2023-09-24. Review status: criteria provided, single submitter. Criteria: Invitae Variant Classification Sherloc (09022015). Collection method: clinical testing. Allele origin: germline.
Comment: This variant results in the deletion of part of exon 5 (c.537-12_539del) of the FOXRED1 gene. It is expected to disrupt RNA splicing. Variants that disrupt the donor or acceptor splice site typically lead to a loss of protein function (PMID: 16199547), and loss-of-function variants in FOXRED1 are known to be pathogenic (PMID: 20818383, 20858599). This variant is not present in population databases (gnomAD no frequency). This variant has not been reported in the literature in individuals affected with FOXRED1-related conditions. Experimental studies and prediction algorithms are not available or were not evaluated, and the effect of this variant on mRNA splicing is currently unknown. In summary, the currently available evidence indicates that the variant is pathogenic, but additional data are needed to prove that conclusively. Therefore, this variant has been classified as Likely Pathogenic.

Literature cited by the submitters: PubMed 16199547; PubMed 20818383; PubMed 20858599.